The following is an entry in ClinVar:

NM_001130965.3(SUN1):c.1012G>A (p.Val338Met)

Gene: SUN1 (Sad1 and UNC84 domain containing 1; plus strand). Cytogenetic location: 7p22.3.
Variant type: single nucleotide variant.
Coding change: c.1012G>A on transcript NM_001130965.3 (MANE Select); coding-DNA position 1012, G replaced by A.
Protein change: p.Val338Met; replaces valine 338 with methionine.
Molecular consequence: missense variant. On other transcripts: non-coding transcript variant (3).
Genome position (GRCh38, 1-based): chr7:852,911, G>A. VCF-style: chr7-852911-G-A. GRCh37 (hg19) VCF-style: chr7-892548-G-A.
Other names: c.859G>A, p.Val287Met (NM_001367662.1, NM_001367671.1); c.1123G>A, p.Val375Met (NM_001367664.1, NM_001367685.1, NM_001367696.1); c.1009G>A, p.Val337Met (NM_001367665.1, NM_001367694.1); c.1255G>A, p.Val419Met (NM_001367666.1, NM_001367655.1); c.973G>A, p.Val325Met (NM_001367667.1, NM_001367689.1, NM_001367645.1); c.1054G>A, p.Val352Met (NM_001367668.1, NM_001367647.1); c.1039G>A, p.Val347Met (NM_001367669.1); c.862G>A, p.Val288Met (NM_001367670.1, NM_001367660.1); and 38 more; short protein forms V100M, V282M, V287M, V292M, V315M, V325M, V337M, V342M.
Identifiers: ClinVar variation 3323630 (VCV003323630.3).
Genomic context (GRCh38, chr7:852,911, plus strand): 5'-TTGCCCGTGTTGAACTGGGCAAGCATGCATAGAACACAGCGGGTGGATGACCCCCAGGAC[G>A]TGTTTAAACCCACGACTTCTCGCCTGAAGCAGCCTCTGCAGGTAAGAGGGTAGAAAGGCC-3'
Protein context (NP_001124437.1, residues 328-348): RTQRVDDPQD[Val338Met]FKPTTSRLKQ

ClinVar aggregate classification (germline): Uncertain significance. Review status: criteria provided, multiple submitters, no conflicts (2 of 4 stars). 2 submissions from 2 submitters: Uncertain significance (2). Last evaluated 2025-05-05.

Conditions:
Emery-Dreifuss muscular dystrophy (EDMD). Also called: Scapuloperoneal syndrome, X-linked (formerly); Humeroperoneal neuromuscular disease, (formerly). Identifiers: Orphanet 261, MedGen C0410189, MONDO:0016830.

gnomAD v4.1: 7 of 1,613,912 alleles (0.00043%); highest among the groups gnomAD compares: African/African-American, 0.0027%; no homozygotes.

Submissions (2):

Labcorp Genetics (formerly Invitae), Labcorp
Classification: Uncertain significance for Emery-Dreifuss muscular dystrophy. Last evaluated: 2025-05-05. Review status: criteria provided, single submitter. Criteria: Invitae Variant Classification Sherloc (09022015). Collection method: clinical testing. Allele origin: germline.
Comment: This sequence change replaces valine, which is neutral and non-polar, with methionine, which is neutral and non-polar, at codon 338 of the SUN1 protein (p.Val338Met). This variant is present in population databases (rs748294659, gnomAD 0.007%). This variant has not been reported in the literature in individuals affected with SUN1-related conditions. ClinVar contains an entry for this variant (Variation ID: 3323630). An algorithm developed to predict the effect of missense changes on protein structure and function outputs the following: PolyPhen-2: "Benign". The methionine amino acid residue is found in multiple mammalian species, which suggests that this missense change does not adversely affect protein function. In summary, the available evidence is currently insufficient to determine the role of this variant in disease. Therefore, it has been classified as a Variant of Uncertain Significance.

Ambry Genetics
Classification: Uncertain significance. Last evaluated: 2024-06-22. Review status: criteria provided, single submitter. Criteria: Ambry Variant Classification Scheme 2023. Collection method: clinical testing. Allele origin: germline.